The following is an entry in ClinVar:

ClinVar aggregate classification (germline): Uncertain significance (1 of 4 stars; one submission).

Submission:

GeneDx
Classification: Uncertain significance. Last evaluated: 2025-06-11. Review status: criteria provided, single submitter. Criteria: GeneDx Variant Classification Process June 2021. Collection method: clinical testing. Allele origin: germline. Affected: yes.
Comment: Not observed at significant frequency in large population cohorts (gnomAD); In silico analysis suggests that this missense variant does not alter protein structure/function; Has not been previously published as pathogenic or benign to our knowledge

NM_006579.3(EBP):c.652C>G (p.Leu218Val)

Gene: EBP (EBP cholestenol delta-isomerase; plus strand). Cytogenetic location: Xp11.23.
Variant type: single nucleotide variant.
Coding change: c.652C>G on transcript NM_006579.3 (MANE Select); coding-DNA position 652, C replaced by G.
Protein change: p.Leu218Val; replaces leucine 218 with valine.
Molecular consequence: missense variant.
Genome position (GRCh38, 1-based): chrX:48,528,416, C>G. VCF-style: chrX-48528416-C-G. GRCh37 (hg19) VCF-style: chrX-48386804-C-G.
Other names: short protein forms L218V.
Identifiers: ClinVar variation 4537663 (VCV004537663.1).
Genomic context (GRCh38, chrX:48,528,416, plus strand): 5'-GTGCTGCCTGGAGTCCTTGTGCTTGATGCTGTGAAGCACCTCACTCATGCCCAGAGCACG[C>G]TGGATGCCAAGGCCACAAAAGCCAAGAGCAAGAAGAACTGAGGAGTGGTGGACCAGGCTC-3'
Protein context (NP_006570.1, residues 208-228): VKHLTHAQST[Leu218Val]DAKATKAKSK